The following is an entry in ClinVar:

ClinVar aggregate classification (germline): Uncertain significance (1 of 4 stars; one submission).

Conditions:
Multiple endocrine neoplasia, type 2 (MEN2). Identifiers: Orphanet 653, MedGen C4048306, MONDO:0019003. Disease mechanism: gain of function.

Submission:

Labcorp Genetics (formerly Invitae), Labcorp
Classification: Uncertain significance for Multiple endocrine neoplasia, type 2. Last evaluated: 2020-02-04. Review status: criteria provided, single submitter. Criteria: Invitae Variant Classification Sherloc (09022015). Collection method: clinical testing. Allele origin: germline.
Comment: In summary, the available evidence is currently insufficient to determine the role of this variant in disease. Therefore, it has been classified as a Variant of Uncertain Significance. Algorithms developed to predict the effect of missense changes on protein structure and function (SIFT, PolyPhen-2, Align-GVGD) all suggest that this variant is likely to be tolerated, but these predictions have not been confirmed by published functional studies and their clinical significance is uncertain. This variant has not been reported in the literature in individuals with RET-related conditions. This variant is not present in population databases (ExAC no frequency). This sequence change replaces alanine with threonine at codon 513 of the RET protein (p.Ala513Thr). The alanine residue is weakly conserved and there is a small physicochemical difference between alanine and threonine.

NM_020975.6(RET):c.1537G>A (p.Ala513Thr)

Gene: RET (ret proto-oncogene; plus strand). Cytogenetic location: 10q11.21.
Variant type: single nucleotide variant.
Coding change: c.1537G>A on transcript NM_020975.6 (MANE Select); coding-DNA position 1537, G replaced by A.
Protein change: p.Ala513Thr; replaces alanine 513 with threonine.
Molecular consequence: missense variant.
Genome position (GRCh38, 1-based): chr10:43,112,113, G>A. VCF-style: chr10-43112113-G-A. GRCh37 (hg19) VCF-style: chr10-43607561-G-A.
Other names: c.1537G>A, p.Ala513Thr (NM_000323.2, NM_001406743.1, NM_001406744.1 and 6 more transcripts); c.775G>A, p.Ala259Thr (NM_001355216.2); c.1408G>A, p.Ala470Thr (NM_001406761.1, NM_001406762.1, NM_001406764.1 and 1 more transcripts); c.1249G>A, p.Ala417Thr (NM_001406766.1, NM_001406767.1, NM_001406770.1); c.1141G>A, p.Ala381Thr (NM_001406769.1, NM_001406772.1); c.1099G>A, p.Ala367Thr (NM_001406771.1, NM_001406773.1); c.1012G>A, p.Ala338Thr (NM_001406774.1); c.811G>A, p.Ala271Thr (NM_001406775.1, NM_001406776.1, NM_001406777.1 and 1 more transcripts); and 5 more; short protein forms A259T, A513T, A214T, A470T, A271T, A381T, A171T, A183T.
Identifiers: ClinVar variation 1016740 (VCV001016740.10), dbSNP rs1837949233, ClinGen allele CA376550242.
Genomic context (GRCh38, chr10:43,112,113, plus strand): 5'-GGGCCCAGGCCAGCCCCCTGTGACCCTGCTTGTCTGCCACCTGCAGATGTGGCCGAGGAG[G>A]CGGGCTGCCCCCTGTCCTGTGCAGTCAGCAAGAGACGGCTGGAGTGTGAGGAGTGTGGCG-3'
Protein context (NP_066124.1, residues 503-523): TVEGSYVAEE[Ala513Thr]GCPLSCAVSK